The following is an entry in ClinVar:

NM_019032.6(ADAMTSL4):c.2288C>G (p.Pro763Arg)

Gene: ADAMTSL4 (ADAMTS like 4; plus strand). Cytogenetic location: 1q21.2.
Variant type: single nucleotide variant.
Coding change: c.2288C>G on transcript NM_019032.6 (MANE Select); coding-DNA position 2288, C replaced by G.
Protein change: p.Pro763Arg; replaces proline 763 with arginine.
Molecular consequence: missense variant.
Genome position (GRCh38, 1-based): chr1:150,558,055, C>G. VCF-style: chr1-150558055-C-G. GRCh37 (hg19) VCF-style: chr1-150530531-C-G.
Other names: c.2171C>G, p.Pro724Arg (NM_001288607.2); c.2357C>G, p.Pro786Arg (NM_001288608.2); c.2288C>G, p.Pro763Arg (NM_001378596.1, NM_025008.5); short protein forms P763R, P724R, P786R.
Identifiers: ClinVar variation 292549 (VCV000292549.36), dbSNP rs56055939, ClinGen allele CA1078610.

ClinVar aggregate classification (germline): Benign/Likely benign. Review status: criteria provided, multiple submitters, no conflicts (2 of 4 stars). 7 submissions from 6 submitters: Benign (1); Likely benign (5). 1 of the submissions does not count toward it. Last evaluated 2026-02-01.

Conditions:
ADAMTSL4-related disorder. Also called: ADAMTSL4-Related Disorders; ADAMTSL4-related condition.
Ectopia lentis et pupillae. Also called: ECTOPIA LENTIS WITH ECTOPIA OF PUPIL. Identifiers: Orphanet 1885, MedGen C1644196, MONDO:0009153, OMIM 225200.
Ectopia lentis 2, isolated, autosomal recessive (ECTOL2). Identifiers: Orphanet 1885, MedGen C3541474, MONDO:0009152, OMIM 225100.

Allele frequency attached by ClinVar (database versions not stated): 1000 Genomes Project 0.00160; 1000 Genomes Project 30x 0.00172; TOPMed 0.00249.
gnomAD v4.1: 6,730 of 1,613,052 alleles (0.42%); highest among the groups gnomAD compares: Non-Finnish European, 0.45%; 30 homozygotes.

Submissions (7):

Labcorp Genetics (formerly Invitae), Labcorp
Classification: Benign. Last evaluated: 2026-02-01. Review status: criteria provided, single submitter. Criteria: Invitae Variant Classification Sherloc (09022015). Collection method: clinical testing. Allele origin: germline.

CeGaT Center for Human Genetics Tuebingen
Classification: Likely benign. Last evaluated: 2025-12-01. Review status: criteria provided, single submitter. Criteria: CeGaT Center For Human Genetics Tuebingen Variant Classification Criteria Version 2. Collection method: clinical testing. Allele origin: germline. Affected: yes. Observed: 3 variant alleles.
Comment: ADAMTSL4: BP4, BS2

Blueprint Genetics
Classification: Likely benign. Last evaluated: 2024-11-22. Review status: criteria provided, single submitter. Criteria: ACMG Guidelines, 2015. Collection method: clinical testing. Allele origin: germline.

Genome-Nilou Lab
Classification: Likely benign for Ectopia lentis et pupillae. Last evaluated: 2023-04-11. Review status: criteria provided, single submitter. Criteria: ACMG Guidelines, 2015. Collection method: clinical testing. Allele origin: germline. Affected: no.

Genome-Nilou Lab
Classification: Likely benign for Ectopia lentis 2, isolated, autosomal recessive. Last evaluated: 2023-04-11. Review status: criteria provided, single submitter. Criteria: ACMG Guidelines, 2015. Collection method: clinical testing. Allele origin: germline. Affected: no.

Illumina Laboratory Services, Illumina
Classification: Likely benign for Ectopia lentis 2, isolated, autosomal recessive. Last evaluated: 2018-01-13. Review status: criteria provided, single submitter. Criteria: ICSL Variant Classification Criteria 13 December 2019. Collection method: clinical testing. Allele origin: germline.
Comment: This variant was observed in the ICSL laboratory as part of a predisposition screen in an ostensibly healthy population. It had not been previously curated by ICSL or reported in the Human Gene Mutation Database (HGMD: prior to June 1st, 2018), and was therefore a candidate for classification through an automated scoring system. Utilizing variant allele frequency, disease prevalence and penetrance estimates, and inheritance mode, an automated score was calculated to assess if this variant is too frequent to cause the disease. Based on the score and internal cut-off values, a variant classified as likely benign is not then subjected to further curation. The score for this variant resulted in a classification of likely benign for this disease.

PreventionGenetics, part of Exact Sciences
Classification: Likely benign for ADAMTSL4-related condition. Last evaluated: 2019-06-18. Review status: no assertion criteria provided. Collection method: clinical testing. Allele origin: germline. Not counted in ClinVar's aggregate classification.
Comment: This variant is classified as likely benign based on ACMG/AMP sequence variant interpretation guidelines (Richards et al. 2015 PMID: 25741868, with internal and published modifications).